The following is an entry in ClinVar:

NM_018972.4(GDAP1):c.173_174insA (p.Pro59fs)

Gene: GDAP1 (ganglioside induced differentiation associated protein 1; plus strand). Cytogenetic location: 8q21.11.
Variant type: Insertion.
Coding change: c.173_174insA on transcript NM_018972.4 (MANE Select); coding-DNA positions 173 to 174, A inserted.
Protein change: p.Pro59fs; shifts the reading frame from proline 59.
Molecular consequence: frameshift variant. On other transcripts: 5 prime UTR variant (1), intron variant (2).
Genome position: GRCh38 VCF-style: chr8-74351329-T-TA. GRCh37 (hg19) VCF-style: chr8-75263564-T-TA.
Other names: c.-32_-31insA (NM_001040875.4); c.173_174insA, p.Pro59fs (NM_001362930.2, NM_001362931.2); c.-18+8_-18+9insA (NM_001362929.2); c.-18+751_-18+752insA (NM_001362932.2); short protein forms P59fs.
Identifiers: ClinVar variation 2430769 (VCV002430769.1), dbSNP rs2536724799, ClinGen allele CA2580078940.

ClinVar aggregate classification (germline): Pathogenic (1 of 4 stars; one submission).

Submission:

GeneDx
Classification: Pathogenic. Last evaluated: 2022-08-16. Review status: criteria provided, single submitter. Criteria: GeneDx Variant Classification Process June 2021. Collection method: clinical testing. Allele origin: germline. Affected: yes.
Comment: Frameshift variant predicted to result in protein truncation or nonsense mediated decay in a gene for which loss of function is a known mechanism of disease; Not observed at significant frequency in large population cohorts (gnomAD); This variant is associated with the following publications: (PMID: 27460291, 31902012)